The following is an entry in ClinVar:

NM_002691.4(POLD1):c.1340A>C (p.Lys447Thr)

Gene: POLD1 (DNA polymerase delta 1, catalytic subunit; plus strand). Cytogenetic location: 19q13.33.
Variant type: single nucleotide variant.
Coding change: c.1340A>C on transcript NM_002691.4 (MANE Select); coding-DNA position 1340, A replaced by C.
Protein change: p.Lys447Thr; replaces lysine 447 with threonine.
Molecular consequence: missense variant. On other transcripts: non-coding transcript variant (1).
Genome position (GRCh38, 1-based): chr19:50,406,279, A>C. VCF-style: chr19-50406279-A-C. GRCh37 (hg19) VCF-style: chr19-50909536-A-C.
Other names: c.1340A>C (NM_002691.2); c.1340A>C, p.Lys447Thr (NM_001256849.1, NM_001308632.1); short protein forms K447T.
Identifiers: ClinVar variation 3707452 (VCV003707452.3).

ClinVar aggregate classification (germline): Uncertain significance. Review status: criteria provided, multiple submitters, no conflicts (2 of 4 stars). 2 submissions from 2 submitters: Uncertain significance (2). Last evaluated 2025-03-31.

Conditions:
Hereditary cancer-predisposing syndrome. Also called: Neoplastic Syndromes, Hereditary; Tumor predisposition; Hereditary Cancer Syndrome; Hereditary neoplastic syndrome. Identifiers: Orphanet 140162, MedGen C0027672, MeSH D009386, MONDO:0015356.
POLD1-related polyposis and colorectal cancer syndrome (CRCS10). Also called: Colorectal cancer 10; COLORECTAL CANCER, SUSCEPTIBILITY TO, ON CHROMOSOME 19q; Colorectal cancer, susceptibility to, 10. Identifiers: Orphanet 220460, MedGen C2675481, MONDO:0012953, OMIM 612591.

Submissions (2):

Ambry Genetics
Classification: Uncertain significance for Hereditary cancer-predisposing syndrome. Last evaluated: 2025-03-31. Review status: criteria provided, single submitter. Criteria: Ambry Variant Classification Scheme 2023. Collection method: clinical testing. Allele origin: germline.
Comment: The p.K447T variant (also known as c.1340A>C), located in coding exon 10 of the POLD1 gene, results from an A to C substitution at nucleotide position 1340. The lysine at codon 447 is replaced by threonine, an amino acid with similar properties. This amino acid position is conserved. In addition, the in silico prediction for this alteration is inconclusive. Based on the available evidence, the clinical significance of this variant remains unclear.

Labcorp Genetics (formerly Invitae), Labcorp
Classification: Uncertain significance for POLD1-related polyposis and colorectal cancer syndrome. Last evaluated: 2024-08-28. Review status: criteria provided, single submitter. Criteria: Invitae Variant Classification Sherloc (09022015). Collection method: clinical testing. Allele origin: germline.
Comment: This sequence change replaces lysine, which is basic and polar, with threonine, which is neutral and polar, at codon 447 of the POLD1 protein (p.Lys447Thr). This variant is not present in population databases (gnomAD no frequency). This variant has not been reported in the literature in individuals affected with POLD1-related conditions. Invitae Evidence Modeling of protein sequence and biophysical properties (such as structural, functional, and spatial information, amino acid conservation, physicochemical variation, residue mobility, and thermodynamic stability) indicates that this missense variant is not expected to disrupt POLD1 protein function with a negative predictive value of 80%. In summary, the available evidence is currently insufficient to determine the role of this variant in disease. Therefore, it has been classified as a Variant of Uncertain Significance.